The following is an entry in ClinVar:

NM_031407.7(HUWE1):c.7344T>G (p.Asp2448Glu)

Genes: HUWE1 (HECT, UBA and WWE domain containing E3 ubiquitin protein ligase 1; minus strand), LOC126863262 (MED14-independent group 3 enhancer GRCh37_chrX:53588722-53589921; plus strand). Cytogenetic location: Xp11.22.
Variant type: single nucleotide variant.
Coding change: c.7344T>G on transcript NM_031407.7 (MANE Select); coding-DNA position 7344, T replaced by G.
Protein change: p.Asp2448Glu; replaces aspartic acid 2448 with glutamic acid.
Molecular consequence: missense variant. On other transcripts: intron variant (1).
Genome position (GRCh38, 1-based): chrX:53,561,919, A>C on the plus strand (T>G on the coding strand, the complement: HUWE1 is on the minus strand). VCF-style: chrX-53561919-A-C. GRCh37 (hg19) VCF-style: chrX-53588880-A-C.
Other names: c.7341T>G, p.Asp2447Glu (NM_001441048.1, NM_001441051.1, NM_001441053.1 and 2 more transcripts); c.7344T>G, p.Asp2448Glu (NM_001441049.1, NM_001441054.1, NM_001441057.1); c.7365T>G, p.Asp2455Glu (NM_001441050.1, NM_001441055.1); c.7106-1503T>G (NM_001441052.1); short protein forms D2447E, D2448E, D2455E.
Identifiers: ClinVar variation 4801043 (VCV004801043.1).

ClinVar aggregate classification (germline): Uncertain significance (1 of 4 stars; one submission).

gnomAD v4.1: 2 of 1,210,775 alleles (0.00017%); highest among the groups gnomAD compares: East Asian, 0.0059%; no homozygotes.

Submission:

Labcorp Genetics (formerly Invitae), Labcorp
Classification: Uncertain significance. Last evaluated: 2025-02-04. Review status: criteria provided, single submitter. Criteria: Invitae Variant Classification Sherloc (09022015). Collection method: clinical testing. Allele origin: germline.
Comment: This sequence change replaces aspartic acid, which is acidic and polar, with glutamic acid, which is acidic and polar, at codon 2448 of the HUWE1 protein (p.Asp2448Glu). This variant is not present in population databases (gnomAD no frequency). This variant has not been reported in the literature in individuals affected with HUWE1-related conditions. Invitae Evidence Modeling of protein sequence and biophysical properties (such as structural, functional, and spatial information, amino acid conservation, physicochemical variation, residue mobility, and thermodynamic stability) has been performed for this missense variant. However, the output from this modeling did not meet the statistical confidence thresholds required to predict the impact of this variant on HUWE1 protein function. In summary, the available evidence is currently insufficient to determine the role of this variant in disease. Therefore, it has been classified as a Variant of Uncertain Significance.